The following is an entry in ClinVar:

ClinVar aggregate classification (germline): Pathogenic (1 of 4 stars; one submission).

Conditions:
Microcephaly-intellectual disability-sensorineural hearing loss-epilepsy-abnormal muscle tone syndrome (NEDHSB). Also called: NEURODEVELOPMENTAL DISORDER WITH HEARING LOSS, SEIZURES, AND BRAIN ABNORMALITIES. Identifiers: Orphanet 457351, MedGen C4225276, MONDO:0014698, OMIM 616577.

Submission:

Women's Health and Genetics/Laboratory Corporation of America, LabCorp
Classification: Pathogenic for Microcephaly-intellectual disability-sensorineural hearing loss-epilepsy-abnormal muscle tone syndrome. Last evaluated: 2025-03-18. Review status: criteria provided, single submitter. Criteria: LabCorp Variant Classification Summary - May 2015. Collection method: clinical testing. Allele origin: germline.
Comment: Variant summary: The variant involves the deletion of exons 12-13 in the AFG2A (aka. SPATA5) gene. A presumed nomenclature of c.(2079+1_2080-1)_(2213+1_2214-1)del has been designated for the purposes of this classification. This Copy Number Variant (CNV) is expected to alter the reading frame and predicted to result in a truncation or absence of the encoded protein due to nonsense mediated decay (NMD). The variant allele was found at a frequency of 0.00015 in 120780 control chromosomes in the gnomAD database (Structural Variants v4.1 dataset). This frequency is not higher than the maximum estimated for a pathogenic variant in AFG2A causing Epilepsy, Hearing Loss, And Mental Retardation Syndrome, allowing no conclusion about variant significance. c.(2079+1_2080-1)_(2213+1_2214-1)del has been reported in the literature in individuals affected with Epilepsy, Hearing Loss, And Mental Retardation Syndrome (e.g. Khurana_2019 [abstract, no PMID], Papuc_2019). These data indicate that the variant may be associated with disease. To our knowledge, no experimental evidence demonstrating an impact on protein function has been reported. The following publications have been ascertained in the context of this evaluation (PMID: 30552426). ClinVar contains an entry for this variant (Variation ID: 542396). Based on the evidence outlined above, the variant was classified as pathogenic.

Literature cited by the submitters: PubMed 30552426.

NC_000004.11:g.(123949551_123977541)_(123978444_124011733)del

Gene: AFG2A (AFG2 AAA ATPase homolog A; plus strand). Cytogenetic location: 4q28.1.
Variant type: Deletion.
Identifiers: ClinVar variation 1698549 (VCV001698549.2).